The following is an entry in ClinVar:

ClinVar aggregate classification (germline): Uncertain significance. Review status: criteria provided, multiple submitters, no conflicts (2 of 4 stars). 2 submissions from 2 submitters: Uncertain significance (2). Last evaluated 2024-12-02.

Conditions:
ASIP-related condition.

Allele frequency attached by ClinVar (database versions not stated): ExAC 0.00001; gnomAD 0.00001; 1000 Genomes Project 30x 0.00016; 1000 Genomes Project 0.00020.
gnomAD v4.1: 5 of 1,613,948 alleles (0.00031%); highest among the groups gnomAD compares: East Asian, 0.0022%; no homozygotes.

Submissions (2):

PreventionGenetics, part of Exact Sciences
Classification: Uncertain significance for ASIP-related condition. Last evaluated: 2024-12-02. Review status: criteria provided, single submitter. Criteria: ACMG Guidelines, 2015. Collection method: clinical testing. Allele origin: germline.
Comment: The ASIP c.185T>A variant is predicted to result in the amino acid substitution p.Ile62Asn. To our knowledge, this variant has not been reported in the literature. This variant is reported in 0.0054% of alleles in individuals of East Asian descent in gnomAD. At this time, the clinical significance of this variant is uncertain due to the absence of conclusive functional and genetic evidence.

Ambry Genetics
Classification: Uncertain significance. Last evaluated: 2024-02-05. Review status: criteria provided, single submitter. Criteria: Ambry Variant Classification Scheme 2023. Collection method: clinical testing. Allele origin: germline.

NM_001672.3(ASIP):c.185T>A (p.Ile62Asn)

Genes: AHCY (adenosylhomocysteinase; minus strand), ASIP (agouti signaling protein; plus strand). Cytogenetic location: 20q11.22.
Variant type: single nucleotide variant.
Coding change: c.185T>A on transcript NM_001672.3 (MANE Select); coding-DNA position 185, T replaced by A.
Protein change: p.Ile62Asn; replaces isoleucine 62 with asparagine.
Molecular consequence: missense variant.
Genome position (GRCh38, 1-based): chr20:34,262,856, T>A. VCF-style: chr20-34262856-T-A. GRCh37 (hg19) VCF-style: chr20-32850662-T-A.
Other names: c.185T>A, p.Ile62Asn (NM_001385218.1); short protein forms I62N.
Identifiers: ClinVar variation 3130389 (VCV003130389.2), dbSNP rs565407899, ClinGen allele CA9820659.